The following is an entry in ClinVar:

NM_003331.5(TYK2):c.1535G>A (p.Gly512Glu)

Gene: TYK2 (tyrosine kinase 2; minus strand). Cytogenetic location: 19p13.2.
Variant type: single nucleotide variant.
Coding change: c.1535G>A on transcript NM_003331.5 (MANE Select); coding-DNA position 1535, G replaced by A.
Protein change: p.Gly512Glu; replaces glycine 512 with glutamic acid.
Molecular consequence: missense variant. On other transcripts: intron variant (1).
Genome position (GRCh38, 1-based): chr19:10,362,398, C>T on the plus strand (G>A on the coding strand, the complement: TYK2 is on the minus strand). VCF-style: chr19-10362398-C-T. GRCh37 (hg19) VCF-style: chr19-10473074-C-T.
Other names: c.1535G>A, p.Gly512Glu (NM_001385197.1, NM_001385198.1, NM_001385199.1 and 5 more transcripts); c.1337G>A, p.Gly446Glu (NM_001385201.1); c.1445G>A, p.Gly482Glu (NM_001385205.1); c.1477-68G>A (NM_001385206.1); short protein forms G482E, G446E, G512E.
Identifiers: ClinVar variation 1038273 (VCV001038273.7), dbSNP rs2041453734, ClinGen allele CA404007341.
Genomic context (GRCh38, chr19:10,362,398, plus strand): 5'-GCAGCCCCAAGTTCCCGAACGCTGGGGAAGGACCGGCCCCAGCCCTCCAGCACGAAGGCC[C>T]CGTCCTGCTGCTCAATGGGGAACTTTCGGAGCCGCAAGCTCTGCATGCCGTCTGGTGCCT-3'
Protein context (NP_003322.3, residues 502-522): LRKFPIEQQD[Gly512Glu]AFVLEGWGRS

ClinVar aggregate classification (germline): Uncertain significance (1 of 4 stars; one submission).

Conditions:
Immunodeficiency 35 (IMD35). Also called: HIES WITH ATYPICAL MYCOBACTERIOSIS, AUTOSOMAL RECESSIVE; HYPER-IgE SYNDROME WITH ATYPICAL MYCOBACTERIOSIS, AUTOSOMAL RECESSIVE; Susceptibility to infection due to TYK2 deficiency; TYK2 DEFICIENCY. Identifiers: Orphanet 331226, MedGen C1969086, MONDO:0012682, OMIM 611521.

Allele frequency attached by ClinVar (database versions not stated): gnomAD exomes below 0.00001.
gnomAD v4.1: 1 of 1,613,508 alleles (0.000062%); highest among the groups gnomAD compares: Middle Eastern, 0.017%; no homozygotes.

Submission:

Labcorp Genetics (formerly Invitae), Labcorp
Classification: Uncertain significance for Immunodeficiency 35. Last evaluated: 2020-09-08. Review status: criteria provided, single submitter. Criteria: Invitae Variant Classification Sherloc (09022015). Collection method: clinical testing. Allele origin: germline.
Comment: This variant is not present in population databases (ExAC no frequency). In summary, the available evidence is currently insufficient to determine the role of this variant in disease. Therefore, it has been classified as a Variant of Uncertain Significance. Algorithms developed to predict the effect of missense changes on protein structure and function output the following: SIFT: "Not Available"; PolyPhen-2: "Benign"; Align-GVGD: "Not Available". The glutamic acid amino acid residue is found in multiple mammalian species, suggesting that this missense change does not adversely affect protein function. These predictions have not been confirmed by published functional studies and their clinical significance is uncertain. This variant has not been reported in the literature in individuals with TYK2-related conditions. This sequence change replaces glycine with glutamic acid at codon 512 of the TYK2 protein (p.Gly512Glu). The glycine residue is highly conserved and there is a moderate physicochemical difference between glycine and glutamic acid.